The following is an entry in ClinVar:

ClinVar aggregate classification (germline): Benign/Likely benign. Review status: criteria provided, multiple submitters, no conflicts (2 of 4 stars). 2 submissions from 2 submitters: Benign (1); Likely benign (1). Last evaluated 2026-08-01.

Submissions (2):

CeGaT Center for Human Genetics Tuebingen
Classification: Likely benign. Last evaluated: 2026-08-01. Review status: criteria provided, single submitter. Criteria: CeGaT Center For Human Genetics Tuebingen Variant Classification Criteria Version 2. Collection method: clinical testing. Allele origin: germline. Affected: yes. Observed: 4 variant alleles.
Comment: SRRM2: BS2

Labcorp Genetics (formerly Invitae), Labcorp
Classification: Benign. Last evaluated: 2019-12-31. Review status: criteria provided, single submitter. Criteria: Invitae Variant Classification Sherloc (09022015). Collection method: clinical testing. Allele origin: germline.

NM_016333.4(SRRM2):c.7857CTC[6] (p.Ser2648del)

Gene: SRRM2 (serine/arginine repetitive matrix 2; plus strand). Cytogenetic location: 16p13.3.
Variant type: Microsatellite.
Coding change: c.7857CTC[6] on transcript NM_016333.4 (MANE Select); six copies in a row of the 3-base unit CTC starting at c.7857; the reference has seven copies in a row; one copy, 3 bases deleted; also written c.7875_7877del.
Protein change: p.Ser2648del; deletes serine 2648.
Molecular consequence: inframe deletion.
Genome position (GRCh38, 1-based): chr16:2,769,138-2,769,140, CTC deleted; deleting any 3 consecutive bases within chr16:2,769,118-2,769,140 gives the same sequence; the position shown is the placement nearest the transcript's 3' end. VCF-style (leftmost placement, unchanged base first): chr16-2769117-TTCC-T. GRCh37 (hg19) VCF-style: chr16-2819118-TTCC-T.
Other names: c.7875_7877del (NM_016333.3); short protein forms S2648del.
Identifiers: ClinVar variation 786635 (VCV000786635.11), dbSNP rs531076704, ClinGen allele CA7849289.